The following is an entry in ClinVar:

ClinVar aggregate classification (germline): Uncertain significance (1 of 4 stars; one submission).

Conditions:
Familial adenomatous polyposis 1 (FAP1). Also called: FAMILIAL ADENOMATOUS POLYPOSIS 1, ATTENUATED; POLYPOSIS, ADENOMATOUS INTESTINAL. Identifiers: MedGen C2713442, MONDO:0021056, OMIM 175100. Disease mechanism: loss of function.

gnomAD v4.1: 5 of 969,912 alleles (0.00052%); highest among the groups gnomAD compares: East Asian, 0.0075%; no homozygotes.

Submission:

Labcorp Genetics (formerly Invitae), Labcorp
Classification: Uncertain significance for Familial adenomatous polyposis 1. Last evaluated: 2026-01-22. Review status: criteria provided, single submitter. Criteria: Invitae Variant Classification Sherloc (09022015). Collection method: clinical testing. Allele origin: germline.
Comment: This variant occurs in a non-coding region of the APC gene. It does not change the encoded amino acid sequence of the APC protein. This variant is not present in population databases (gnomAD no frequency). This variant has not been reported in the literature in individuals affected with APC-related conditions. ClinVar contains an entry for this variant (Variation ID: 537636). Experimental studies and prediction algorithms are not available or were not evaluated, and the functional significance of this variant is currently unknown. In summary, the available evidence is currently insufficient to determine the role of this variant in disease. Therefore, it has been classified as a Variant of Uncertain Significance.

NM_001127511.3(APC):c.-132G>A

Gene: APC (APC regulator of Wnt signaling pathway; plus strand). Cytogenetic location: 5q22.2.
Variant type: single nucleotide variant.
Coding change: c.-132G>A on transcript NM_001127511.3; 132 bases upstream of the start codon, G replaced by A.
Molecular consequence: 5 prime UTR variant. On other transcripts: non-coding transcript variant (2).
Genome position (GRCh38, 1-based): chr5:112,707,586, G>A. VCF-style: chr5-112707586-G-A. GRCh37 (hg19) VCF-style: chr5-112043283-G-A.
Other names: c.-315G>A (NM_001354895.2, NM_001407447.1, NM_001407452.1 and 3 more transcripts); c.-132G>A (NM_001354897.2, NM_001354902.2, NM_001407446.1); c.-82G>A (NM_001407448.1, NM_001407450.1, NM_001407457.1 and 1 more transcripts); c.-106G>A (NM_001407453.1); c.-1350G>A (NM_001407470.1, NM_001407472.1).
Identifiers: ClinVar variation 537636 (VCV000537636.12), dbSNP rs182500056, ClinGen allele CA658796612.